The following is an entry in ClinVar:

NM_019594.4(LRRC8A):c.292A>C (p.Lys98Gln)

Gene: LRRC8A (leucine rich repeat containing 8 VRAC subunit A; plus strand). Cytogenetic location: 9q34.11.
Variant type: single nucleotide variant.
Coding change: c.292A>C on transcript NM_019594.4 (MANE Select); coding-DNA position 292, A replaced by C.
Protein change: p.Lys98Gln; replaces lysine 98 with glutamine.
Molecular consequence: missense variant.
Genome position (GRCh38, 1-based): chr9:128,907,456, A>C. VCF-style: chr9-128907456-A-C. GRCh37 (hg19) VCF-style: chr9-131669735-A-C.
Other names: c.292A>C, p.Lys98Gln (NM_001127244.2, NM_001127245.2); short protein forms K98Q.
Identifiers: ClinVar variation 1997134 (VCV001997134.4), dbSNP rs1283771961, ClinGen allele CA375073314.
Genomic context (GRCh38, chr9:128,907,456, plus strand): 5'-GAGCCCACCTACCCCAACTCCACCATTCTGCCGACCCCTGACACGGGCCCCACAGGCATC[A>C]AGTATGACCTGGACCGGCACCAGTACAACTACGTGGACGCTGTGTGCTATGAGAACCGAC-3'
Protein context (NP_062540.2, residues 88-108): PTPDTGPTGI[Lys98Gln]YDLDRHQYNY

ClinVar aggregate classification (germline): Uncertain significance (1 of 4 stars; one submission).

Allele frequency attached by ClinVar (database versions not stated): TOPMed below 0.00001; gnomAD 0.00001.
gnomAD v4.1: 1 of 1,613,760 alleles (0.000062%); highest among the groups gnomAD compares: Non-Finnish European, 0.000085%; no homozygotes.

Submission:

Labcorp Genetics (formerly Invitae), Labcorp
Classification: Uncertain significance. Last evaluated: 2022-06-04. Review status: criteria provided, single submitter. Criteria: Invitae Variant Classification Sherloc (09022015). Collection method: clinical testing. Allele origin: germline.
Comment: This sequence change replaces lysine, which is basic and polar, with glutamine, which is neutral and polar, at codon 98 of the LRRC8A protein (p.Lys98Gln). This variant is not present in population databases (gnomAD no frequency). This variant has not been reported in the literature in individuals affected with LRRC8A-related conditions. Algorithms developed to predict the effect of missense changes on protein structure and function (SIFT, PolyPhen-2, Align-GVGD) all suggest that this variant is likely to be tolerated. In summary, the available evidence is currently insufficient to determine the role of this variant in disease. Therefore, it has been classified as a Variant of Uncertain Significance.